The following is an entry in ClinVar:

ClinVar aggregate classification (germline): Likely pathogenic (1 of 4 stars; one submission).

Conditions:
Developmental and epileptic encephalopathy 94 (DEE94). Also called: Epileptic encephalopathy, childhood-onset; CHD2-Related Neurodevelopmental Disorders. Identifiers: Orphanet 1942, Orphanet 2382, MedGen C3809278, MONDO:0014150, OMIM 615369.

Submission:

Labcorp Genetics (formerly Invitae), Labcorp
Classification: Likely pathogenic for Developmental and epileptic encephalopathy 94. Last evaluated: 2018-12-03. Review status: criteria provided, single submitter. Criteria: Invitae Variant Classification Sherloc (09022015). Collection method: clinical testing. Allele origin: germline.
Comment: Experimental studies and prediction algorithms are not available for this variant, and the functional significance of the affected amino acid(s) is currently unknown. This variant is not present in population databases (ExAC no frequency). In summary, the currently available evidence indicates that the variant is pathogenic, but additional data are needed to prove that conclusively. Therefore, this variant has been classified as Likely Pathogenic. This variant, c.2652_2654delCTT, results in the deletion of 1 amino acid(s) of the CHD2 protein (p.Phe885del), but otherwise preserves the integrity of the reading frame.

NM_001271.4(CHD2):c.2652_2654del (p.Phe885del)

Gene: CHD2 (chromodomain helicase DNA binding protein 2; plus strand). Cytogenetic location: 15q26.1.
Variant type: Deletion.
Coding change: c.2652_2654del on transcript NM_001271.4 (MANE Select); coding-DNA positions 2652 to 2654, 3 bases deleted (CTT; older notation c.2652_2654delCTT).
Protein change: p.Phe885del; deletes phenylalanine 885.
Molecular consequence: inframe deletion.
Genome position (GRCh38, 1-based): chr15:92,978,308-92,978,310, CTT deleted; deleting any 3 consecutive bases within chr15:92,978,307-92,978,310 gives the same sequence; the c. name uses the placement nearest the transcript's 3' end. VCF-style (leftmost placement, unchanged base first): chr15-92978306-ATCT-A. GRCh37 (hg19) VCF-style: chr15-93521536-ATCT-A.
Other names: short protein forms F885del.
Identifiers: ClinVar variation 663395 (VCV000663395.9), dbSNP rs1596427937, ClinGen allele CA915946163.